The following is an entry in ClinVar:

ClinVar aggregate classification (germline): Uncertain significance. Review status: criteria provided, multiple submitters, no conflicts (2 of 4 stars). 3 submissions from 3 submitters: Uncertain significance (3). Last evaluated 2025-10-21.

Conditions:
UNC45B-related disorder. Also called: UNC45B-related condition.
Inborn genetic diseases. Identifiers: MedGen C0950123, MeSH D030342.

Allele frequency attached by ClinVar (database versions not stated): 1000 Genomes Project 30x 0.00031; 1000 Genomes Project 0.00040; ESP Exome Variant Server 0.00092.
gnomAD v4.1: 1,858 of 1,613,738 alleles (0.12%); highest among the groups gnomAD compares: Non-Finnish European, 0.14%; 2 homozygotes.

Submissions (3):

Labcorp Genetics (formerly Invitae), Labcorp
Classification: Uncertain significance. Last evaluated: 2025-10-21. Review status: criteria provided, single submitter. Criteria: Invitae Variant Classification Sherloc (09022015). Collection method: clinical testing. Allele origin: germline.
Comment: This sequence change replaces arginine, which is basic and polar, with glycine, which is neutral and non-polar, at codon 715 of the UNC45B protein (p.Arg715Gly). This variant is present in population databases (rs141654082, gnomAD 0.1%), and has an allele count higher than expected for a pathogenic variant. This variant has not been reported in the literature in individuals affected with UNC45B-related conditions. ClinVar contains an entry for this variant (Variation ID: 2343806). An algorithm developed to predict the effect of missense changes on protein structure and function (PolyPhen-2) suggests that this variant is likely to be disruptive. In summary, the available evidence is currently insufficient to determine the role of this variant in disease. Therefore, it has been classified as a Variant of Uncertain Significance.

PreventionGenetics, part of Exact Sciences
Classification: Uncertain significance for UNC45B-related condition. Last evaluated: 2025-07-03. Review status: criteria provided, single submitter. Criteria: ACMG Guidelines, 2015. Collection method: clinical testing. Allele origin: germline.
Comment: The UNC45B c.2143C>G variant is predicted to result in the amino acid substitution p.Arg715Gly. To our knowledge, this variant has not been reported in the literature. This variant is reported in 0.13% of alleles in individuals of European (Non-Finnish) descent in gnomAD, which may be too frequent to be an undocumented disease-causing variant. Although we suspect that this variant may be benign, at this time, the clinical significance of this variant is uncertain due to the absence of conclusive functional and genetic evidence.

Ambry Genetics
Classification: Uncertain significance for Inborn genetic diseases. Last evaluated: 2021-10-29. Review status: criteria provided, single submitter. Criteria: Ambry Variant Classification Scheme 2023. Collection method: clinical testing. Allele origin: germline.

NM_001267052.2(UNC45B):c.2137C>G (p.Arg713Gly)

Gene: UNC45B (unc-45 myosin chaperone B; plus strand). Cytogenetic location: 17q12.
Variant type: single nucleotide variant.
Coding change: c.2137C>G on transcript NM_001267052.2 (MANE Select); coding-DNA position 2137, C replaced by G.
Protein change: p.Arg713Gly; replaces arginine 713 with glycine.
Molecular consequence: missense variant.
Genome position (GRCh38, 1-based): chr17:35,177,128, C>G. VCF-style: chr17-35177128-C-G. GRCh37 (hg19) VCF-style: chr17-33504147-C-G.
Other names: c.2137C>G, p.Arg713Gly (NM_001033576.2); c.1900C>G, p.Arg634Gly (NM_001308281.1); c.2143C>G, p.Arg715Gly (NM_173167.3); short protein forms R634G, R713G, R715G.
Identifiers: ClinVar variation 2343806 (VCV002343806.4), dbSNP rs141654082, ClinGen allele CA8501409.